The following is an entry in ClinVar:

ClinVar aggregate classification (germline): Uncertain significance. Review status: criteria provided, multiple submitters, no conflicts (2 of 4 stars). 2 submissions from 2 submitters: Uncertain significance (2). Last evaluated 2020-04-22.

Conditions:
Cardiovascular phenotype. Identifiers: MedGen CN230736.
Hereditary cancer-predisposing syndrome. Also called: Hereditary neoplastic syndrome; Neoplastic Syndromes, Hereditary; Tumor predisposition; Hereditary Cancer Syndrome. Identifiers: Orphanet 140162, MedGen C0027672, MeSH D009386, MONDO:0015356.

Allele frequency attached by ClinVar (database versions not stated): gnomAD 0.00001; TOPMed 0.00001.
gnomAD v4.1: 1 of 1,613,828 alleles (0.000062%); highest among the groups gnomAD compares: Non-Finnish European, 0.000085%; no homozygotes.

Submissions (2):

Ambry Genetics
Classification: Uncertain significance for Cardiovascular phenotype; Hereditary cancer-predisposing syndrome. Last evaluated: 2020-04-22. Review status: criteria provided, single submitter. Criteria: Ambry Variant Classification Scheme 2023. Collection method: clinical testing. Allele origin: germline.
Comment: The p.R1337L variant (also known as c.4010G>T), located in coding exon 30 of the NF1 gene, results from a G to T substitution at nucleotide position 4010. The arginine at codon 1337 is replaced by leucine, an amino acid with dissimilar properties. This amino acid position is well conserved in available vertebrate species. In addition, the in silico prediction for this alteration is inconclusive. Since supporting evidence is limited at this time, the clinical significance of this alteration remains unclear.

GeneDx
Classification: Uncertain significance. Last evaluated: 2016-08-26. Review status: criteria provided, single submitter. Criteria: GeneDx Variant Classification (06012015). Collection method: clinical testing. Allele origin: germline. Affected: yes.
Comment: This variant is denoted NF1 c.4010G>T at the cDNA level, p.Arg1337Leu (R1337L) at the protein level, and results in the change of an Arginine to a Leucine (CGG>CTG). This variant has not, to our knowledge, been published in the literature as pathogenic or benign. NF1 Arg1337Leu was not observed in approximately 6,500 individuals of European and African American ancestry in the NHLBI Exome Sequencing Project, suggesting it is not a common benign variant in these populations. Since Arginine and Leucine differ in polarity, charge, size or other properties, this is considered a non-conservative amino acid substitution. NF1 Arg1337Leu occurs at a position that is conserved in mammals and is located within the Ras-GAP domain (UniProt). In silico analyses predict that this variant is probably damaging to protein structure and function. Based on currently available evidence, it is unclear whether NF1 Arg1337Leu is a pathogenic or benign variant. We consider it to be a variant of uncertain significance.

NM_001042492.3(NF1):c.4010G>T (p.Arg1337Leu)

Gene: NF1 (neurofibromin 1; plus strand). Cytogenetic location: 17q11.2.
Variant type: single nucleotide variant.
Coding change: c.4010G>T on transcript NM_001042492.3 (MANE Select); coding-DNA position 4010, G replaced by T.
Protein change: p.Arg1337Leu; replaces arginine 1337 with leucine.
Molecular consequence: missense variant.
Genome position (GRCh38, 1-based): chr17:31,249,019, G>T. VCF-style: chr17-31249019-G-T. GRCh37 (hg19) VCF-style: chr17-29576037-G-T.
Other names: c.4010G>T, p.Arg1337Leu (NM_000267.4); short protein forms R1337L.
Identifiers: ClinVar variation 561665 (VCV000561665.3), dbSNP rs1060500379, ClinGen allele CA398994884.